The following is an entry in ClinVar:

NM_000426.4(LAMA2):c.5830G>T (p.Glu1944Ter)

Gene: LAMA2 (laminin subunit alpha 2; plus strand). Cytogenetic location: 6q22.33.
Variant type: single nucleotide variant.
Coding change: c.5830G>T on transcript NM_000426.4 (MANE Select); coding-DNA position 5830, G replaced by T.
Protein change: p.Glu1944Ter; replaces glutamic acid 1944 with a stop codon.
Molecular consequence: nonsense.
Genome position (GRCh38, 1-based): chr6:129,403,924, G>T. VCF-style: chr6-129403924-G-T. GRCh37 (hg19) VCF-style: chr6-129725069-G-T.
Other names: c.5830G>T, p.Glu1944Ter (NM_001079823.2); short protein forms E1944*.
Identifiers: ClinVar variation 1454117 (VCV001454117.6), dbSNP rs1780112044, ClinGen allele CA365617414.

ClinVar aggregate classification (germline): Pathogenic (1 of 4 stars; one submission).

Conditions:
LAMA2-related muscular dystrophy (LAMA2-RD). Also called: Laminin alpha 2-related dystrophy. Identifiers: MedGen C5679788, MONDO:0100228.

Submission:

Labcorp Genetics (formerly Invitae), Labcorp
Classification: Pathogenic for LAMA2-related muscular dystrophy. Last evaluated: 2021-06-17. Review status: criteria provided, single submitter. Criteria: Invitae Variant Classification Sherloc (09022015). Collection method: clinical testing. Allele origin: germline.
Comment: For these reasons, this variant has been classified as Pathogenic. This variant has not been reported in the literature in individuals with LAMA2-related conditions. This variant is not present in population databases (ExAC no frequency). This sequence change creates a premature translational stop signal (p.Glu1944*) in the LAMA2 gene. It is expected to result in an absent or disrupted protein product. Loss-of-function variants in LAMA2 are known to be pathogenic (PMID: 18700894).

Literature cited by the submitters: PubMed 18700894.